The following is an entry in ClinVar:

ClinVar aggregate classification (germline): Uncertain significance. Review status: criteria provided, multiple submitters, no conflicts (2 of 4 stars). 3 submissions from 3 submitters: Uncertain significance (3). Last evaluated 2025-05-30.

Conditions:
Hereditary cancer-predisposing syndrome. Also called: Tumor predisposition; Hereditary Cancer Syndrome; Hereditary neoplastic syndrome; Neoplastic Syndromes, Hereditary. Identifiers: Orphanet 140162, MedGen C0027672, MeSH D009386, MONDO:0015356.
Tuberous sclerosis 2 (TSC2). Identifiers: Orphanet 805, MedGen C1860707, MONDO:0013199, OMIM 613254.

Allele frequency attached by ClinVar (database versions not stated): TOPMed below 0.00001.

Submissions (3):

Ambry Genetics
Classification: Uncertain significance for Hereditary cancer-predisposing syndrome. Last evaluated: 2025-05-30. Review status: criteria provided, single submitter. Criteria: Ambry Variant Classification Scheme 2023. Collection method: clinical testing. Allele origin: germline.
Comment: The p.G1354D variant (also known as c.4061G>A), located in coding exon 33 of the TSC2 gene, results from a G to A substitution at nucleotide position 4061. The glycine at codon 1354 is replaced by aspartic acid, an amino acid with similar properties. This amino acid position is poorly conserved in available vertebrate species. In addition, the in silico prediction for this alteration is inconclusive. Since supporting evidence is limited at this time, the clinical significance of this alteration remains unclear.

Labcorp Genetics (formerly Invitae), Labcorp
Classification: Uncertain significance for Tuberous sclerosis 2. Last evaluated: 2025-01-29. Review status: criteria provided, single submitter. Criteria: Invitae Variant Classification Sherloc (09022015). Collection method: clinical testing. Allele origin: germline.
Comment: This sequence change replaces glycine, which is neutral and non-polar, with aspartic acid, which is acidic and polar, at codon 1354 of the TSC2 protein (p.Gly1354Asp). This variant is not present in population databases (gnomAD no frequency). This variant has not been reported in the literature in individuals affected with TSC2-related conditions. ClinVar contains an entry for this variant (Variation ID: 238041). Invitae Evidence Modeling of protein sequence and biophysical properties (such as structural, functional, and spatial information, amino acid conservation, physicochemical variation, residue mobility, and thermodynamic stability) indicates that this missense variant is not expected to disrupt TSC2 protein function with a negative predictive value of 95%. In summary, the available evidence is currently insufficient to determine the role of this variant in disease. Therefore, it has been classified as a Variant of Uncertain Significance.

GeneDx
Classification: Uncertain significance. Last evaluated: 2023-02-01. Review status: criteria provided, single submitter. Criteria: GeneDx Variant Classification Process June 2021. Collection method: clinical testing. Allele origin: germline. Affected: yes.
Comment: Not observed at significant frequency in large population cohorts (gnomAD); In silico analysis supports that this missense variant does not alter protein structure/function; Has not been previously published as pathogenic or benign to our knowledge

NM_000548.5(TSC2):c.4061G>A (p.Gly1354Asp)

Gene: TSC2 (TSC complex subunit 2; plus strand). Cytogenetic location: 16p13.3.
Variant type: single nucleotide variant.
Coding change: c.4061G>A on transcript NM_000548.5 (MANE Select); coding-DNA position 4061, G replaced by A.
Protein change: p.Gly1354Asp; replaces glycine 1354 with aspartic acid.
Molecular consequence: missense variant.
Genome position (GRCh38, 1-based): chr16:2,084,283, G>A. VCF-style: chr16-2084283-G-A. GRCh37 (hg19) VCF-style: chr16-2134284-G-A.
Other names: c.3860G>A, p.Gly1287Asp (NM_001077183.3); c.3992G>A, p.Gly1331Asp (NM_001114382.3); c.3752G>A, p.Gly1251Asp (NM_001318827.2); c.3716G>A, p.Gly1239Asp (NM_001318829.2); c.3329G>A, p.Gly1110Asp (NM_001318831.2); c.3893G>A, p.Gly1298Asp (NM_001318832.2); c.3863G>A, p.Gly1288Asp (NM_001363528.2); c.3929G>A, p.Gly1310Asp (NM_001370404.1); and 1 more; short protein forms G1354D, G1331D, G1239D, G1287D, G1298D, G1310D, G1251D, G1311D.
Identifiers: ClinVar variation 238041 (VCV000238041.12), dbSNP rs878854102, ClinGen allele CA10583330.